The following is an entry in ClinVar:

ClinVar aggregate classification (germline): Benign. Review status: criteria provided, multiple submitters, no conflicts (2 of 4 stars). 7 submissions from 6 submitters: Benign (6). 1 of the submissions does not count toward it. Last evaluated 2026-02-04.

Conditions:
Combined oxidative phosphorylation defect type 13. Also called: Combined oxidative phosphorylation deficiency 13. Identifiers: Orphanet 319514, MedGen C4706283, MONDO:0013977, OMIM 614932.
Autosomal recessive nonsyndromic hearing loss 70. Also called: Deafness, autosomal recessive 70. Identifiers: Orphanet 90636, MedGen C1824925, MONDO:0013978, OMIM 614934.

Allele frequency attached by ClinVar (database versions not stated): 1000 Genomes Project 0.32808; 1000 Genomes Project 30x 0.33182; ExAC 0.42875; TOPMed 0.43120; gnomAD exomes 0.43173 and 0.47014; gnomAD 0.44180 and 0.44915; ESP Exome Variant Server 0.44687.
gnomAD v4.1: 741,047 of 1,587,420 alleles (47%); highest among the groups gnomAD compares: Non-Finnish European, 50%; 179,722 homozygotes.

Submissions (7):

Labcorp Genetics (formerly Invitae), Labcorp
Classification: Benign. Last evaluated: 2026-02-04. Review status: criteria provided, single submitter. Criteria: Invitae Variant Classification Sherloc (09022015). Collection method: clinical testing. Allele origin: germline.

Blueprint Genetics
Classification: Benign. Last evaluated: 2024-11-26. Review status: criteria provided, single submitter. Criteria: ACMG Guidelines, 2015. Collection method: clinical testing. Allele origin: germline.

Genome-Nilou Lab
Classification: Benign for Combined oxidative phosphorylation defect type 13. Last evaluated: 2021-10-25. Review status: criteria provided, single submitter. Criteria: ACMG Guidelines, 2015. Collection method: clinical testing. Allele origin: germline. Affected: no.

Genome-Nilou Lab
Classification: Benign for Autosomal recessive nonsyndromic hearing loss 70. Last evaluated: 2021-10-25. Review status: criteria provided, single submitter. Criteria: ACMG Guidelines, 2015. Collection method: clinical testing. Allele origin: germline. Affected: no.

GeneDx
Classification: Benign. Last evaluated: 2013-09-05. Review status: criteria provided, single submitter. Criteria: GeneDx Variant Classification (06012015). Collection method: clinical testing. Allele origin: germline. Affected: yes.
Comment: This variant is considered likely benign or benign based on one or more of the following criteria: it is a conservative change, it occurs at a poorly conserved position in the protein, it is predicted to be benign by multiple in silico algorithms, and/or has population frequency not consistent with disease.

Breakthrough Genomics
Classification: Benign. Review status: criteria provided, single submitter. Criteria: ACMG Guidelines, 2015. Collection method: not provided. Allele origin: germline. Inheritance: Autosomal recessive inheritance. Affected: yes.

Mayo Clinic Laboratories, Mayo Clinic
Classification: Benign. Last evaluated: 2016-02-19. Review status: no assertion criteria provided. Collection method: clinical testing. Allele origin: unknown. Not counted in ClinVar's aggregate classification.

NM_033109.5(PNPT1):c.361A>G (p.Ile121Val)

Gene: PNPT1 (polyribonucleotide nucleotidyltransferase 1; minus strand). Cytogenetic location: 2p16.1.
Variant type: single nucleotide variant.
Coding change: c.361A>G on transcript NM_033109.5 (MANE Select); coding-DNA position 361, A replaced by G.
Protein change: p.Ile121Val; replaces isoleucine 121 with valine.
Molecular consequence: missense variant.
Genome position (GRCh38, 1-based): chr2:55,684,985, T>C on the plus strand (A>G on the coding strand, the complement: PNPT1 is on the minus strand). VCF-style: chr2-55684985-T-C. GRCh37 (hg19) VCF-style: chr2-55912120-T-C.
Other names: p.I121V:ATT>GTT; short protein forms I121V.
Identifiers: ClinVar variation 138742 (VCV000138742.17), dbSNP rs782572, ClinGen allele CA292823.